The following is an entry in ClinVar:

NM_000246.4(CIITA):c.1211C>T (p.Ala404Val)

Gene: CIITA (class II major histocompatibility complex transactivator; plus strand). Cytogenetic location: 16p13.13.
Variant type: single nucleotide variant.
Coding change: c.1211C>T on transcript NM_000246.4 (MANE Select); coding-DNA position 1211, C replaced by T.
Protein change: p.Ala404Val; replaces alanine 404 with valine.
Molecular consequence: missense variant. On other transcripts: intron variant (1).
Genome position (GRCh38, 1-based): chr16:10,906,703, C>T. VCF-style: chr16-10906703-C-T. GRCh37 (hg19) VCF-style: chr16-11000560-C-T.
Other names: c.1214C>T, p.Ala405Val (NM_001286402.1, NM_001379332.1); c.1067C>T, p.Ala356Val (NM_001379330.1); c.1064C>T, p.Ala355Val (NM_001379331.1); c.1211C>T, p.Ala404Val (NM_001379333.1); c.1142C>T, p.Ala381Val (NM_001379334.1); c.859+1891C>T (NM_001286403.2); short protein forms A405V, A404V, A355V, A356V, A381V.
Identifiers: ClinVar variation 887466 (VCV000887466.4), dbSNP rs1392912244, ClinGen allele CA394730000.

ClinVar aggregate classification (germline): Uncertain significance (1 of 4 stars; one submission).

Conditions:
MHC class II deficiency. Also called: Bare lymphocyte syndrome 2; BLS, TYPE II. Identifiers: Orphanet 572, MedGen C5447452, MONDO:0008855.

Allele frequency attached by ClinVar (database versions not stated): gnomAD 0.00001; TOPMed 0.00001.
gnomAD v4.1: 2 of 1,612,232 alleles (0.00012%); highest among the groups gnomAD compares: African/African-American, 0.0013%; no homozygotes.

Submission:

Illumina Laboratory Services, Illumina
Classification: Uncertain significance for MHC class II deficiency 1. Last evaluated: 2017-04-27. Review status: criteria provided, single submitter. Criteria: ICSL Variant Classification Criteria 13 December 2019. Collection method: clinical testing. Allele origin: germline.
Comment: This variant was observed as part of a predisposition screen in an ostensibly healthy population. A literature search was performed for the gene, cDNA change, and amino acid change (where applicable). Publications were found based on this search. However, the evidence from the literature, in combination with allele frequency data from public databases where available, was not sufficient to rule this variant in or out of causing disease. Therefore, this variant is classified as a variant of unknown significance.

Literature cited by the submitters: PubMed 24044430.